The following is an entry in ClinVar:

ClinVar aggregate classification (germline): Uncertain significance. Review status: criteria provided, multiple submitters, no conflicts (2 of 4 stars). 2 submissions from 2 submitters: Uncertain significance (2). Last evaluated 2022-09-13.

Allele frequency attached by ClinVar (database versions not stated): TOPMed below 0.00001; ExAC 0.00001; gnomAD 0.00001.
gnomAD v4.1: 2 of 1,612,958 alleles (0.00012%); highest among the groups gnomAD compares: Admixed American, 0.0033%; no homozygotes.

Submissions (2):

Labcorp Genetics (formerly Invitae), Labcorp
Classification: Uncertain significance. Last evaluated: 2022-09-13. Review status: criteria provided, single submitter. Criteria: Invitae Variant Classification Sherloc (09022015). Collection method: clinical testing. Allele origin: germline.
Comment: This variant is present in population databases (no rsID available, gnomAD 0.003%). In summary, the available evidence is currently insufficient to determine the role of this variant in disease. Therefore, it has been classified as a Variant of Uncertain Significance. Experimental studies and prediction algorithms are not available or were not evaluated, and the functional significance of this variant is currently unknown. ClinVar contains an entry for this variant (Variation ID: 1360565). This variant has not been reported in the literature in individuals affected with COL18A1-related conditions. This sequence change replaces valine, which is neutral and non-polar, with leucine, which is neutral and non-polar, at codon 132 of the COL18A1 protein (p.Val132Leu). The COL18A1 gene has multiple clinically relevant transcripts. This variant occurs in alternate transcript NM_030582.3, and corresponds to NM_130445.2:c.107-12318G>C in the primary transcript.

Blueprint Genetics
Classification: Uncertain significance. Last evaluated: 2018-09-18. Review status: criteria provided, single submitter. Criteria: ACMG Guidelines, 2015. Collection method: clinical testing. Allele origin: germline.

NM_001379500.1(COL18A1):c.107-12318G>C

Gene: COL18A1 (collagen type XVIII alpha 1 chain; plus strand). Cytogenetic location: 21q22.3.
Variant type: single nucleotide variant.
Coding change: c.107-12318G>C on transcript NM_001379500.1 (MANE Select); 12318 bases into the intron before coding-DNA position 107, G replaced by C.
Molecular consequence: intron variant. On other transcripts: missense variant (2).
Genome position (GRCh38, 1-based): chr21:45,455,924, G>C. VCF-style: chr21-45455924-G-C. GRCh37 (hg19) VCF-style: chr21-46875838-G-C.
Other names: c.394G>C, p.Val132Leu (NM_030582.4, NM_130444.3); short protein forms V132L.
Identifiers: ClinVar variation 1360565 (VCV001360565.7), dbSNP rs1555853876, ClinGen allele CA10065464.